The following is an entry in ClinVar:

NM_025136.4(OPA3):c.238G>A (p.Gly80Ser)

Genes: OPA3 (outer mitochondrial membrane lipid metabolism regulator OPA3; minus strand), OPA3-RTN2 (OPA3-RTN2 readthrough; minus strand). Cytogenetic location: 19q13.32.
Variant type: single nucleotide variant.
Coding change: c.238G>A on transcript NM_025136.4 (MANE Select); coding-DNA position 238, G replaced by A.
Protein change: p.Gly80Ser; replaces glycine 80 with serine.
Molecular consequence: missense variant. On other transcripts: intron variant (1).
Genome position (GRCh38, 1-based): chr19:45,553,816, C>T on the plus strand (G>A on the coding strand, the complement: OPA3 is on the minus strand). VCF-style: chr19-45553816-C-T. GRCh37 (hg19) VCF-style: chr19-46057074-C-T.
Other names: c.143-24360G>A (NM_001017989.3); short protein forms G80S.
Identifiers: ClinVar variation 2041171 (VCV002041171.2), dbSNP rs1276945236, ClinGen allele CA406371133.

ClinVar aggregate classification (germline): Uncertain significance. Review status: criteria provided, multiple submitters, no conflicts (2 of 4 stars). 2 submissions from 2 submitters: Uncertain significance (2). Last evaluated 2022-09-26.

Conditions:
Optic atrophy 3 (OPA3). Also called: OPTIC ATROPHY 3, AUTOSOMAL DOMINANT; Optic atrophy, cataract, and neurologic disorder; Optic atrophy 3 with cataract. Identifiers: Orphanet 67036, MedGen C1833809, MONDO:0008133, OMIM 165300.
3-Methylglutaconic aciduria type 3 (MGCA3). Also called: OPA3, AUTOSOMAL RECESSIVE; OPTIC ATROPHY 3, AUTOSOMAL RECESSIVE; OPA3-Related 3-Methylglutaconic Aciduria; Costeff Syndrome. Identifiers: Orphanet 67047, MedGen C0574084, MONDO:0009787, OMIM 258501.

Allele frequency attached by ClinVar (database versions not stated): gnomAD exomes below 0.00001; TOPMed below 0.00001.

Submissions (2):

Labcorp Genetics (formerly Invitae), Labcorp
Classification: Uncertain significance for 3-Methylglutaconic aciduria type 3; Optic atrophy 3. Last evaluated: 2022-09-26. Review status: criteria provided, single submitter. Criteria: Invitae Variant Classification Sherloc (09022015). Collection method: clinical testing. Allele origin: germline.
Comment: This sequence change replaces glycine, which is neutral and non-polar, with serine, which is neutral and polar, at codon 80 of the OPA3 protein (p.Gly80Ser). This variant is not present in population databases (gnomAD no frequency). This variant has not been reported in the literature in individuals affected with OPA3-related conditions. Algorithms developed to predict the effect of missense changes on protein structure and function (SIFT, PolyPhen-2, Align-GVGD) all suggest that this variant is likely to be disruptive. In summary, the available evidence is currently insufficient to determine the role of this variant in disease. Therefore, it has been classified as a Variant of Uncertain Significance.

Blueprint Genetics
Classification: Uncertain significance. Last evaluated: 2022-09-02. Review status: criteria provided, single submitter. Criteria: ACMG Guidelines, 2015. Collection method: clinical testing. Allele origin: germline.